The following is an entry in ClinVar:

NM_002049.4(GATA1):c.-19-2A>G

Gene: GATA1 (GATA binding protein 1; plus strand). Cytogenetic location: Xp11.23.
Variant type: single nucleotide variant.
Coding change: c.-19-2A>G on transcript NM_002049.4 (MANE Select); the canonical splice acceptor site of the intron before 19 bases upstream of the start codon, A replaced by G.
Molecular consequence: splice acceptor variant.
Genome position (GRCh38, 1-based): chrX:48,791,089, A>G. VCF-style: chrX-48791089-A-G. GRCh37 (hg19) VCF-style: chrX-48649496-A-G.
Identifiers: ClinVar variation 3344400 (VCV003344400.2).

ClinVar aggregate classification (germline): Pathogenic. Review status: criteria provided, single submitter (1 of 4 stars). 2 submissions from 2 submitters: Pathogenic (1). 1 of the submissions does not count toward it. Last evaluated 2020-08-05.

Conditions:
GATA1-related disorder. Also called: GATA1-related condition.

Submissions (2):

Blueprint Genetics
Classification: Pathogenic for GATA1-related disorders. Last evaluated: 2020-08-05. Review status: criteria provided, single submitter. Criteria: ACMG Guidelines, 2015. Collection method: clinical testing. Allele origin: germline. Affected: yes. Observed: 2 variant alleles.

PreventionGenetics, part of Exact Sciences
Classification: Pathogenic for GATA1-related condition. Last evaluated: 2024-09-06. Review status: no assertion criteria provided. Collection method: clinical testing. Allele origin: germline. Not counted in ClinVar's aggregate classification.
Comment: The GATA1 c.-19-2A>G variant is located in the 5' untranslated region. This variant (also described as c.-21A>G) has been reported in the hemizygous state in an individual with dyserythropoietic anemia, thrombocytosis, functional platelet defect, and megakaryocyte dysplasia (Zucker et al. 2016. PubMed ID: 26713410). Consistent with in silico splicing predictions (SpliceAI, Jaganathan et al. 2019. PubMed ID: 30661751), transcriptional analysis of patient bone marrow cells confirmed that the c.-19-2G>A variant disrupts the canonical acceptor site, leading to exon 2 skipping and reduced production of the full-length GATA1 protein required for proper hematopoiesis in erythrocyte and megakaryocyte precursors (Zucker et al. 2016. PubMed ID: 26713410). This variant has not been reported in the gnomAD database, indicating this variant is rare. However, a different nucleotide change disrupting the same canonical acceptor site (c.-19-1G>A) has been observed in individuals with GATA1-related phenotypes tested at PreventionGenetics (internal data). Taken together, the c.-19-2A>G variant is interpreted as pathogenic.